The following is an entry in ClinVar:

NM_020347.4(LZTFL1):c.266C>T (p.Ala89Val)

Gene: LZTFL1 (leucine zipper transcription factor like 1; minus strand). Cytogenetic location: 3p21.31.
Variant type: single nucleotide variant.
Coding change: c.266C>T on transcript NM_020347.4 (MANE Select); coding-DNA position 266, C replaced by T.
Protein change: p.Ala89Val; replaces alanine 89 with valine.
Molecular consequence: missense variant. On other transcripts: non-coding transcript variant (1).
Genome position (GRCh38, 1-based): chr3:45,835,647, G>A on the plus strand (C>T on the coding strand, the complement: LZTFL1 is on the minus strand). VCF-style: chr3-45835647-G-A. GRCh37 (hg19) VCF-style: chr3-45877139-G-A.
Other names: c.266C>T (NM_020347.3); c.215C>T, p.Ala72Val (NM_001276378.2, NM_001386451.1, NM_001405922.1 and 4 more transcripts); c.254C>T, p.Ala85Val (NM_001276379.2, NM_001405921.1); c.266C>T, p.Ala89Val (NM_001386452.1, NM_001405924.1); c.290C>T, p.Ala97Val (NM_001405920.1, NM_001405925.1); short protein forms A97V, A85V, A89V, A72V.
Identifiers: ClinVar variation 2011481 (VCV002011481.5), dbSNP rs774230939, ClinGen allele CA2351975.

ClinVar aggregate classification (germline): Uncertain significance. Review status: criteria provided, multiple submitters, no conflicts (2 of 4 stars). 2 submissions from 2 submitters: Uncertain significance (2). Last evaluated 2025-03-19.

Conditions:
LZTFL1-related disorder. Also called: LZTFL1-related condition.

Allele frequency attached by ClinVar (database versions not stated): ExAC 0.00001; gnomAD 0.00001; gnomAD exomes 0.00001; TOPMed 0.00001.
gnomAD v4.1: 5 of 1,613,992 alleles (0.00031%); highest among the groups gnomAD compares: African/African-American, 0.0053%; no homozygotes.

Submissions (2):

PreventionGenetics, part of Exact Sciences
Classification: Uncertain significance for LZTFL1-related condition. Last evaluated: 2025-03-19. Review status: criteria provided, single submitter. Criteria: ACMG Guidelines, 2015. Collection method: clinical testing. Allele origin: germline.
Comment: The LZTFL1 c.266C>T variant is predicted to result in the amino acid substitution p.Ala89Val. To our knowledge, this variant has not been reported in the literature. This variant is reported in 0.0062% of alleles in individuals of African descent in gnomAD. At this time, the clinical significance of this variant is uncertain due to the absence of conclusive functional and genetic evidence.

Labcorp Genetics (formerly Invitae), Labcorp
Classification: Uncertain significance. Last evaluated: 2022-07-05. Review status: criteria provided, single submitter. Criteria: Invitae Variant Classification Sherloc (09022015). Collection method: clinical testing. Allele origin: germline.
Comment: In summary, the available evidence is currently insufficient to determine the role of this variant in disease. Therefore, it has been classified as a Variant of Uncertain Significance. Algorithms developed to predict the effect of missense changes on protein structure and function (SIFT, PolyPhen-2, Align-GVGD) all suggest that this variant is likely to be tolerated. This variant has not been reported in the literature in individuals affected with LZTFL1-related conditions. This variant is present in population databases (rs774230939, gnomAD 0.007%). This sequence change replaces alanine, which is neutral and non-polar, with valine, which is neutral and non-polar, at codon 89 of the LZTFL1 protein (p.Ala89Val).